The following is an entry in ClinVar:

ClinVar aggregate classification (germline): Likely pathogenic (1 of 4 stars; one submission).

Conditions:
Autosomal recessive limb-girdle muscular dystrophy type 2J (LGMDR10). Also called: Limb-girdle muscular dystrophy, type 2J; MUSCULAR DYSTROPHY, LIMB-GIRDLE, AUTOSOMAL RECESSIVE 10. Identifiers: Orphanet 140922, MedGen C1837342, MONDO:0012127, OMIM 608807.
Dilated cardiomyopathy 1G (CMD1G). Identifiers: Orphanet 154, MedGen C1858763, MONDO:0011400, OMIM 604145.

Submission:

Labcorp Genetics (formerly Invitae), Labcorp
Classification: Likely pathogenic for Dilated cardiomyopathy 1G; Autosomal recessive limb-girdle muscular dystrophy type 2J. Last evaluated: 2023-02-26. Review status: criteria provided, single submitter. Criteria: Invitae Variant Classification Sherloc (09022015). Collection method: clinical testing. Allele origin: germline.
Comment: This sequence change creates a premature translational stop signal (p.Cys24442Profs*4) in the TTN gene. While this is not anticipated to result in nonsense mediated decay, it is expected to create a truncated TTN protein. Information on the frequency of this variant in the gnomAD database is not available, as this variant may be reported differently in the database. This variant has not been reported in the literature in individuals affected with TTN-related conditions. This variant is located in the A band of TTN (PMID: 25589632). Truncating variants in this region are significantly overrepresented in patients affected with dilated cardiomyopathy (PMID: 25589632). Truncating variants in this region have also been reported in individuals affected with autosomal recessive centronuclear myopathy (PMID: 23975875). In summary, the currently available evidence indicates that the variant is pathogenic, but additional data are needed to prove that conclusively. Therefore, this variant has been classified as Likely Pathogenic.

Literature cited by the submitters: PubMed 25589632; PubMed 23975875.

NM_001267550.2(TTN):c.73324_73328delinsC (p.Ala24442fs)

Genes: TTN (titin; minus strand), TTN-AS1 (TTN antisense RNA 1; plus strand). Cytogenetic location: 2q31.2.
Variant type: Indel.
Coding change: c.73324_73328delinsC on transcript NM_001267550.2 (MANE Select); coding-DNA positions 73324 to 73328, GCCTG replaced by C.
Protein change: p.Ala24442fs; shifts the reading frame from alanine 24442.
Molecular consequence: frameshift variant.
Genome position (GRCh38, 1-based): chr2:178,572,804-178,572,808, CAGGC replaced by G on the plus strand (GCCTG replaced by C on the coding strand, the reverse complement: TTN is on the minus strand). VCF-style: chr2-178572804-CAGGC-G. GRCh37 (hg19) VCF-style: chr2-179437531-CAGGC-G.
Other names: c.68401_68405delinsC, p.Ala22801fs (NM_001256850.1); c.46129_46133delinsC, p.Ala15377fs (NM_003319.4); c.65620_65624delinsC, p.Ala21874fs (NM_133378.4); c.46504_46508delinsC, p.Ala15502fs (NM_133432.3); c.46705_46709delinsC, p.Ala15569fs (NM_133437.4); short protein forms A15502fs, A15377fs, A15569fs, A21874fs, A22801fs, A24442fs.
Identifiers: ClinVar variation 535000 (VCV000535000.3), dbSNP rs1553607562, ClinGen allele CA658796035.
Genomic context (GRCh38, chr2:178,572,804, plus strand): 5'-GCCCACTTCACCTCAGGTGCAGGCCTTCCTTTGATGGGAACAAAAAGTCTCAGGGTGCAG[CAGGC>G]CCTTATAGTAACAACTTTGCGCAGGTCAGCATCCAGTTCAATTTCTGGAGGCAGCATTCT-3'